The following is an entry in ClinVar:

NM_001148.6(ANK2):c.4567A>G (p.Thr1523Ala)

Gene: ANK2 (ankyrin 2; plus strand). Cytogenetic location: 4q26.
Variant type: single nucleotide variant.
Coding change: c.4567A>G on transcript NM_001148.6 (MANE Select); coding-DNA position 4567, A replaced by G.
Protein change: p.Thr1523Ala; replaces threonine 1523 with alanine.
Molecular consequence: missense variant. On other transcripts: intron variant (68).
Genome position (GRCh38, 1-based): chr4:113,353,185, A>G. VCF-style: chr4-113353185-A-G. GRCh37 (hg19) VCF-style: chr4-114274341-A-G.
Other names: c.4333A>G, p.Thr1445Ala (NM_001386142.1); c.967A>G, p.Thr323Ala (NM_001386166.1); c.4708A>G, p.Thr1570Ala (NM_001386174.1); c.4684A>G, p.Thr1562Ala (NM_001386175.1); c.4411+2936A>G (NM_001386186.2, NM_001386148.2); c.4213+2936A>G (NM_001354269.3); c.4291+2936A>G (NM_001386187.2); c.4252+2936A>G (NM_001386147.1); and 35 more; short protein forms T1523A, T1570A, T1562A, T323A, T1445A.
Identifiers: ClinVar variation 3295035 (VCV003295035.1).

ClinVar aggregate classification (germline): Uncertain significance (1 of 4 stars; one submission).

Conditions:
Cardiovascular phenotype. Identifiers: MedGen CN230736.

gnomAD v4.1: 5 of 1,614,098 alleles (0.00031%); highest among the groups gnomAD compares: Non-Finnish European, 0.00042%; no homozygotes.

Submission:

Ambry Genetics
Classification: Uncertain significance for Cardiovascular phenotype. Last evaluated: 2024-05-11. Review status: criteria provided, single submitter. Criteria: Ambry Variant Classification Scheme 2023. Collection method: clinical testing. Allele origin: germline.
Comment: The p.T1523A variant (also known as c.4567A>G), located in coding exon 38 of the ANK2 gene, results from an A to G substitution at nucleotide position 4567. The threonine at codon 1523 is replaced by alanine, an amino acid with similar properties. This amino acid position is conserved. In addition, this alteration is predicted to be tolerated by in silico analysis. Based on the available evidence, the clinical significance of this variant remains unclear.